The following is an entry in ClinVar:

ClinVar aggregate classification (germline): Uncertain significance (1 of 4 stars; one submission).

Submission:

GeneDx
Classification: Uncertain significance. Last evaluated: 2026-02-19. Review status: criteria provided, single submitter. Criteria: GeneDx Variant Classification Process June 2021. Collection method: clinical testing. Allele origin: germline.
Comment: Not observed at significant frequency in large population cohorts (gnomAD); In silico analysis suggests that this missense variant does not alter protein structure/function; Has not been previously published as pathogenic or benign to our knowledge

NM_014633.5(CTR9):c.1801A>G (p.Thr601Ala)

Gene: CTR9 (CTR9 component of Paf1/RNA polymerase II complex; plus strand). Cytogenetic location: 11p15.4.
Variant type: single nucleotide variant.
Coding change: c.1801A>G on transcript NM_014633.5 (MANE Select); coding-DNA position 1801, A replaced by G.
Protein change: p.Thr601Ala; replaces threonine 601 with alanine.
Molecular consequence: missense variant.
Genome position (GRCh38, 1-based): chr11:10,767,920, A>G. VCF-style: chr11-10767920-A-G. GRCh37 (hg19) VCF-style: chr11-10789467-A-G.
Other names: c.1801A>G, p.Thr601Ala (NM_001346279.2); short protein forms T601A.
Identifiers: ClinVar variation 5009789 (VCV005009789.1).